The following is an entry in ClinVar:

ClinVar aggregate classification (germline): Uncertain significance (1 of 4 stars; one submission).

Conditions:
Hereditary hyperekplexia. Identifiers: Orphanet 3197, MedGen C4084968, MONDO:0021022.

gnomAD v4.1: 2 of 1,614,138 alleles (0.00012%); highest among the groups gnomAD compares: Non-Finnish European, 0.00017%; no homozygotes.

Submission:

Labcorp Genetics (formerly Invitae), Labcorp
Classification: Uncertain significance for Hereditary hyperekplexia. Last evaluated: 2025-10-29. Review status: criteria provided, single submitter. Criteria: Invitae Variant Classification Sherloc (09022015). Collection method: clinical testing. Allele origin: germline.
Comment: This sequence change replaces glutamic acid, which is acidic and polar, with glycine, which is neutral and non-polar, at codon 402 of the GLRA1 protein (p.Glu402Gly). This variant is not present in population databases (gnomAD no frequency). This variant has not been reported in the literature in individuals affected with GLRA1-related conditions. Invitae Evidence Modeling of protein sequence and biophysical properties (such as structural, functional, and spatial information, amino acid conservation, physicochemical variation, residue mobility, and thermodynamic stability) indicates that this missense variant is not expected to disrupt GLRA1 protein function with a negative predictive value of 80%. In summary, the available evidence is currently insufficient to determine the role of this variant in disease. Therefore, it has been classified as a Variant of Uncertain Significance.

NM_000171.4(GLRA1):c.1205A>G (p.Glu402Gly)

Gene: GLRA1 (glycine receptor alpha 1; minus strand). Cytogenetic location: 5q33.1.
Variant type: single nucleotide variant.
Coding change: c.1205A>G on transcript NM_000171.4 (MANE Select); coding-DNA position 1205, A replaced by G.
Protein change: p.Glu402Gly; replaces glutamic acid 402 with glycine.
Molecular consequence: missense variant.
Genome position (GRCh38, 1-based): chr5:151,822,818, T>C on the plus strand (A>G on the coding strand, the complement: GLRA1 is on the minus strand). VCF-style: chr5-151822818-T-C. GRCh37 (hg19) VCF-style: chr5-151202379-T-C.
Other names: c.956A>G, p.Glu319Gly (NM_001292000.2); c.1229A>G, p.Glu410Gly (NM_001146040.2); short protein forms E402G, E410G, E319G.
Identifiers: ClinVar variation 4759199 (VCV004759199.1).